The following is an entry in ClinVar:

ClinVar aggregate classification (germline): Pathogenic (1 of 4 stars; one submission).

Conditions:
Primary ciliary dyskinesia 3. Identifiers: Orphanet 244, MedGen C1837618, MONDO:0012085, OMIM 608644.

Submission:

Myriad Genetics, Inc.
Classification: Pathogenic for Primary ciliary dyskinesia 3. Last evaluated: 2023-10-26. Review status: criteria provided, single submitter. Criteria: Myriad Autosomal Dominant, Autosomal Recessive and X-Linked Classification Criteria (2023). Collection method: clinical testing. Allele origin: unknown.
Comment: NM_001369.2(DNAH5):c.12136_12139dupATCT(C4047Yfs*62) is expected to be pathogenic in the context of primary ciliary dyskinesia, DNAH5-related. This variant is predicted to lead to an abnormal or absent protein product due to the creation of a premature termination codon in DNAH5, a gene where loss-of-function variants are known to be pathogenic. Please note: this variant was assessed in the context of healthy population screening.

NM_001369.3(DNAH5):c.12136_12139dup (p.Cys4047fs)

Gene: DNAH5 (dynein axonemal heavy chain 5; minus strand). Cytogenetic location: 5p15.2.
Variant type: Duplication.
Coding change: c.12136_12139dup on transcript NM_001369.3 (MANE Select); coding-DNA positions 12136 to 12139, 4 bases duplicated (ATCT; older notation c.12136_12139dupATCT).
Protein change: p.Cys4047fs; shifts the reading frame from cysteine 4047.
Molecular consequence: frameshift variant.
Genome position (GRCh38, 1-based): chr5:13,721,140-13,721,143, AGAT duplicated on the plus strand (ATCT on the coding strand, the reverse complement: DNAH5 is on the minus strand). VCF-style (leftmost placement, unchanged base first): chr5-13721139-C-CAGAT. GRCh37 (hg19) VCF-style: chr5-13721248-C-CAGAT.
Other names: short protein forms C4047fs.
Identifiers: ClinVar variation 5012433 (VCV005012433.1).